The following is an entry in ClinVar:

NM_182914.3(SYNE2):c.430C>G (p.Leu144Val)

Gene: SYNE2 (spectrin repeat containing nuclear envelope protein 2; plus strand). Cytogenetic location: 14q23.2.
Variant type: single nucleotide variant.
Coding change: c.430C>G on transcript NM_182914.3 (MANE Select); coding-DNA position 430, C replaced by G.
Protein change: p.Leu144Val; replaces leucine 144 with valine.
Molecular consequence: missense variant.
Genome position (GRCh38, 1-based): chr14:63,949,846, C>G. VCF-style: chr14-63949846-C-G. GRCh37 (hg19) VCF-style: chr14-64416564-C-G.
Other names: c.430C>G, p.Leu144Val (NM_015180.6); short protein forms L144V.
Identifiers: ClinVar variation 283142 (VCV000283142.47), dbSNP rs142000273, ClinGen allele CA7219111.

ClinVar aggregate classification (germline): Benign/Likely benign. Review status: criteria provided, multiple submitters, no conflicts (2 of 4 stars). 8 submissions from 8 submitters: Benign (3); Likely benign (5). Last evaluated 2026-01-13.

Conditions:
Emery-Dreifuss muscular dystrophy 5, autosomal dominant (EDMD5). Also called: EMERY-DREIFUSS MUSCULAR DYSTROPHY 5. Identifiers: Orphanet 261, MedGen C2751805, MONDO:0013072, OMIM 612999.

Allele frequency attached by ClinVar (database versions not stated): gnomAD exomes 0.00021 and 0.00041; ExAC 0.00052; 1000 Genomes Project 30x 0.00172; gnomAD 0.00172 and 0.00180; 1000 Genomes Project 0.00180; TOPMed 0.00194; ESP Exome Variant Server 0.00222.

Submissions (8):

Labcorp Genetics (formerly Invitae), Labcorp
Classification: Benign for Emery-Dreifuss muscular dystrophy 5, autosomal dominant. Last evaluated: 2026-01-13. Review status: criteria provided, single submitter. Criteria: Invitae Variant Classification Sherloc (09022015). Collection method: clinical testing. Allele origin: germline.

Genomic Medicine Center of Excellence, King Faisal Specialist Hospital and Research Centre
Classification: Likely benign. Last evaluated: 2025-08-18. Review status: criteria provided, single submitter. Criteria: ACMG Guidelines, 2015. Collection method: clinical testing. Allele origin: germline.

CeGaT Center for Human Genetics Tuebingen
Classification: Benign. Last evaluated: 2025-05-01. Review status: criteria provided, single submitter. Criteria: CeGaT Center For Human Genetics Tuebingen Variant Classification Criteria Version 2. Collection method: clinical testing. Allele origin: germline. Affected: yes. Observed: 2 variant alleles.
Comment: SYNE2: BS1, BS2

Blueprint Genetics
Classification: Likely benign. Last evaluated: 2024-08-13. Review status: criteria provided, single submitter. Criteria: ACMG Guidelines, 2015. Collection method: clinical testing. Allele origin: germline.

Athena Diagnostics
Classification: Likely benign. Last evaluated: 2018-02-06. Review status: criteria provided, single submitter. Criteria: Athena Diagnostics Criteria. Collection method: clinical testing. Allele origin: germline.

Illumina Laboratory Services, Illumina
Classification: Benign for Emery-Dreifuss muscular dystrophy 5, autosomal dominant. Last evaluated: 2018-01-12. Review status: criteria provided, single submitter. Criteria: ICSL Variant Classification Criteria 13 December 2019. Collection method: clinical testing. Allele origin: germline.
Comment: This variant was observed in the ICSL laboratory as part of a predisposition screen in an ostensibly healthy population. It had not been previously curated by ICSL or reported in the Human Gene Mutation Database (HGMD: prior to June 1st, 2018), and was therefore a candidate for classification through an automated scoring system. Utilizing variant allele frequency, disease prevalence and penetrance estimates, and inheritance mode, an automated score was calculated to assess if this variant is too frequent to cause the disease. Based on the score and internal cut-off values, a variant classified as benign is not then subjected to further curation. The score for this variant resulted in a classification of benign for this disease.

Eurofins Ntd Llc (ga)
Classification: Likely benign. Last evaluated: 2015-09-19. Review status: criteria provided, single submitter. Criteria: EGL Classification Definitions 2015. Collection method: clinical testing. Allele origin: germline. Observed: 1 variant allele, 1 heterozygote.

Breakthrough Genomics
Classification: Likely benign. Review status: criteria provided, single submitter. Criteria: ACMG Guidelines, 2015. Collection method: not provided. Allele origin: germline. Inheritance: Autosomal dominant inheritance. Affected: yes.